The following is an entry in ClinVar:

NM_024675.4(PALB2):c.2418G>A (p.Pro806=)

Gene: PALB2 (partner and localizer of BRCA2; minus strand). Cytogenetic location: 16p12.2.
Variant type: single nucleotide variant.
Coding change: c.2418G>A on transcript NM_024675.4 (MANE Select); coding-DNA position 2418, G replaced by A.
Protein change: p.Pro806=; no amino-acid change (proline 806 retained).
Molecular consequence: synonymous variant.
Genome position (GRCh38, 1-based): chr16:23,629,736, C>T on the plus strand (G>A on the coding strand, the complement: PALB2 is on the minus strand). VCF-style: chr16-23629736-C-T. GRCh37 (hg19) VCF-style: chr16-23641057-C-T.
Identifiers: ClinVar variation 183914 (VCV000183914.24), dbSNP rs577076372, ClinGen allele CA186961.

ClinVar aggregate classification (germline): Benign/Likely benign. Review status: criteria provided, multiple submitters, no conflicts (2 of 4 stars). 9 submissions from 9 submitters: Benign (1); Likely benign (7). 1 of the submissions does not count toward it. Last evaluated 2026-01-02.

Conditions:
PALB2-related disorder. Also called: PALB2-related condition; PALB2-related disorders.
Hereditary cancer-predisposing syndrome. Also called: Neoplastic Syndromes, Hereditary; Tumor predisposition; Hereditary neoplastic syndrome; Hereditary Cancer Syndrome. Identifiers: Orphanet 140162, MedGen C0027672, MeSH D009386, MONDO:0015356.
Familial cancer of breast. Also called: Hereditary breast cancer; BREAST CANCER, FAMILIAL; hereditary breast carcinoma. Identifiers: Orphanet 227535, MedGen C0346153, MONDO:0016419, OMIM 114480. Disease mechanism: loss of function.

Allele frequency attached by ClinVar (database versions not stated): gnomAD 0.00002; TOPMed 0.00005.
gnomAD v4.1: 20 of 1,614,140 alleles (0.0012%); highest among the groups gnomAD compares: East Asian, 0.0089%; no homozygotes.

Submissions (9):

Labcorp Genetics (formerly Invitae), Labcorp
Classification: Likely benign for Familial cancer of breast. Last evaluated: 2026-01-02. Review status: criteria provided, single submitter. Criteria: Invitae Variant Classification Sherloc (09022015). Collection method: clinical testing. Allele origin: germline.

PreventionGenetics, part of Exact Sciences
Classification: Likely benign for PALB2-related condition. Last evaluated: 2025-11-18. Review status: criteria provided, single submitter. Criteria: ACMG Guidelines, 2015. Collection method: clinical testing. Allele origin: germline.
Comment: This variant is classified as likely benign based on ACMG/AMP sequence variant interpretation guidelines (Richards et al. 2015 PMID: 25741868, with internal and published modifications).

Myriad Genetics, Inc.
Classification: Benign for Familial cancer of breast. Last evaluated: 2025-01-16. Review status: criteria provided, single submitter. Criteria: Myriad Autosomal Dominant, Autosomal Recessive and X-Linked Classification Criteria (2023). Collection method: clinical testing. Allele origin: unknown.
Comment: This variant is considered benign. This variant is a silent/synonymous amino acid change and it is not expected to impact splicing.

Sema4
Classification: Likely benign for Hereditary cancer-predisposing syndrome. Last evaluated: 2022-01-12. Review status: criteria provided, single submitter. Criteria: Sema4 Curation Guidelines. Collection method: curation. Allele origin: germline.

Women's Health and Genetics/Laboratory Corporation of America, LabCorp
Classification: Likely benign. Last evaluated: 2019-02-22. Review status: criteria provided, single submitter. Criteria: LabCorp Variant Classification Summary - May 2015. Collection method: clinical testing. Allele origin: germline.
Comment: Variant summary: PALB2 c.2418G>A alters a non-conserved nucleotide resulting in a synonymous change. 5/5 computational tools predict no significant impact on normal splicing. However, these predictions have yet to be confirmed by functional studies. The variant allele was found at a frequency of 5.3e-05 in 300258 control chromosomes, predominantly within the East Asian subpopulation at a frequency of 0.00017 (in the gnomAD database and from publication data: Damiola 2015, Momozawa 2018). The observed variant frequency within East Asian control individuals is higher than the estimated maximal expected allele frequency for a pathogenic variant in PALB2 causing Hereditary Breast and Ovarian Cancer (HBOC) (0.00016), strongly suggesting that the variant is a benign polymorphism. Though the variant c.2418G>A has been reported in the literature in individuals affected with breast cancer (Catucci 2014, Momozawa 2018), it was also found in several healthy controls (Damiola 2015, Momozawa 2018). The authors of a large case-control association study, involving unselected breast cancer (BrC) patients and controls of Japanese ancestry, concluded that the variant is benign (Momozawa 2018). To our knowledge, no experimental evidence demonstrating an impact on protein function has been reported. Three clinical diagnostic laboratories have submitted clinical-significance assessments for this variant to ClinVar after 2014 without evidence for independent evaluation, and all of them classified the variant as likely benign. Based on the evidence outlined above, the variant was classified as likely benign.

GeneDx
Classification: Likely benign. Last evaluated: 2018-10-01. Review status: criteria provided, single submitter. Criteria: GeneDx Variant Classification Process June 2021. Collection method: clinical testing. Allele origin: germline. Affected: yes.
Comment: This variant is associated with the following publications: (PMID: 26564480)

Color Diagnostics, LLC DBA Color Health
Classification: Likely benign for Hereditary cancer-predisposing syndrome. Last evaluated: 2016-02-10. Review status: criteria provided, single submitter. Criteria: ACMG Guidelines, 2015. Collection method: clinical testing. Allele origin: germline.

Ambry Genetics
Classification: Likely benign for Hereditary cancer-predisposing syndrome. Last evaluated: 2014-11-29. Review status: criteria provided, single submitter. Criteria: Ambry Variant Classification Scheme 2023. Collection method: clinical testing. Allele origin: germline.

Leiden Open Variation Database
Classification: Benign. Last evaluated: 2018-10-10. Review status: no assertion criteria provided. Collection method: curation. Allele origin: germline. Affected: yes. Not counted in ClinVar's aggregate classification.
Comment: Curators: Marc Tischkowitz, Arleen D. Auerbach. Submitter to LOVD: Yukihide Momozawa.

Literature cited by the submitters: PubMed 24556926 (cited by Sema4 and Women's Health and Genetics/Laboratory Corporation of America, LabCorp); PubMed 30287823 (cited by 3 submitters); PubMed 26564480 (cited by Sema4 and Women's Health and Genetics/Laboratory Corporation of America, LabCorp); PubMed 32980694 (cited by Sema4).